The following is an entry in ClinVar:

ClinVar aggregate classification (germline): Conflicting classifications of pathogenicity. Review status: criteria provided, conflicting classifications (1 of 4 stars). 6 submissions from 6 submitters: Pathogenic (2); Likely pathogenic (1); Uncertain significance (2). 1 of the submissions does not count toward it. Last evaluated 2026-06-25.

Conditions:
Cardiovascular phenotype. Identifiers: MedGen CN230736.
Dilated cardiomyopathy 1G (CMD1G). Identifiers: Orphanet 154, MedGen C1858763, MONDO:0011400, OMIM 604145.
Autosomal recessive limb-girdle muscular dystrophy type 2J (LGMDR10). Also called: MUSCULAR DYSTROPHY, LIMB-GIRDLE, AUTOSOMAL RECESSIVE 10; Limb-girdle muscular dystrophy, type 2J. Identifiers: Orphanet 140922, MedGen C1837342, MONDO:0012127, OMIM 608807.
Autosomal recessive TTN-related disorders.
Early-onset myopathy with fatal cardiomyopathy (CMYO5). Also called: CONGENITAL MYOPATHY 5 WITH CARDIOMYOPATHY; Salih Myopathy. Identifiers: Orphanet 289377, MedGen C2673677, MONDO:0012714, OMIM 611705. Disease mechanism: loss of function.

Submissions (6):

Ambry Genetics
Classification: Uncertain significance for Cardiovascular phenotype. Last evaluated: 2026-06-25. Review status: criteria provided, single submitter. Criteria: Ambry Variant Classification Scheme 2023. Collection method: clinical testing. Allele origin: germline.
Comment: The c.9025+1G>C intronic variant results from a G to C substitution one nucleotide after coding exon 36 of the TTN gene. Exon 36 is located in the I-band region of the N2-B isoform of the titin protein and is constitutively expressed in TTN transcripts (percent spliced in or PSI 100%). This variant was reported to co-occur in trans with a TTN missense variant in a proband with features including but not limited to arthrogryposis multiplex congenita, congenital muscle weakness, kyphosis, contractures, short neck, camptodactyly, and low-set ears, ventricular septal defect, noncompaction cardiomyopathy, dilated cardiomyopathy, and heart failure requiring transplant in childhood (Chauveau C et al. Hum Mol Genet, 2014 Feb;23:980-91). Note, this variant is also referred to as c.G9388+1C, p.Glu2989Glufs*4 in the literature. This nucleotide position is highly conserved in available vertebrate species. In silico splice site analysis predicts that this alteration will weaken the native splice donor site. This variant disrupts the canonical splice site and is expected to cause aberrant splicing. However, although direct evidence is unavailable, this variant is predicted to result in an in-frame transcript that is not expected to trigger nonsense-mediated mRNA decay. The exact functional effect of the predicted splice impact is unknown. Since supporting evidence is limited at this time, the clinical significance of this alteration remains unclear.

Labcorp Genetics (formerly Invitae), Labcorp
Classification: Pathogenic for Dilated cardiomyopathy 1G; Autosomal recessive limb-girdle muscular dystrophy type 2J. Last evaluated: 2025-08-12. Review status: criteria provided, single submitter. Criteria: Invitae Variant Classification Sherloc (09022015). Collection method: clinical testing. Allele origin: germline.
Comment: This sequence change affects a donor splice site in intron 38 of the TTN gene. While this is not anticipated to result in nonsense mediated decay, it is expected to create a truncated TTN protein. This variant is not present in population databases (gnomAD no frequency). Disruption of this splice site has been observed in individuals with autosomal dominant dilated cardiomyopathy and/or autosomal recessive congenital core myopathy (PMID: 24105469; internal data). ClinVar contains an entry for this variant (Variation ID: 405059). Algorithms developed to predict the effect of sequence changes on RNA splicing suggest that this variant may disrupt the consensus splice site. This variant is located in the I band of TTN (PMID: 25589632). Truncating variants in this region have been reported in individuals affected with autosomal recessive centronuclear myopathy (PMID: 23975875, internal data). Truncating variants in this region have also been identified in individuals affected with autosomal dominant dilated cardiomyopathy and/or cardio-related conditions (PMID: 27869827, 32964742, internal data). For these reasons, this variant has been classified as Pathogenic.

Variantyx, Inc.
Classification: Likely pathogenic for Autosomal recessive TTN-related disorders. Last evaluated: 2025-07-24. Review status: criteria provided, single submitter. Criteria: Variantyx Assertion Criteria 2022. Collection method: clinical testing. Allele origin: germline. Inheritance: Semidominant inheritance.
Comment: This is a canonical splicing variant in the TTN gene (OMIM: 188840). Pathogenic variants in this gene have been associated with autosomal semidominant TTN-related disorders. This variant resides in intron 38 and impacts an exon localized to the I-band region of TTN (PSI=100%). This splicing variant is expected to result in loss of function, which is a known disease mechanism for TTN in these disorders (PMID: 24105469) (PVS1). In addition, a different variant in this splice site has been reported in an autosomal recessive TTN-related disorder (PMID:24105469). This variant is absent from control population (PM2). Based on the current evidence, this variant is classified as likely pathogenic for autosomal recessive TTN-related disorders

GeneDx
Classification: Uncertain significance. Last evaluated: 2025-06-30. Review status: criteria provided, single submitter. Criteria: GeneDx Variant Classification Process June 2021. Collection method: clinical testing. Allele origin: germline. Affected: yes.
Comment: Not observed at significant frequency in large population cohorts (gnomAD); Canonical splice site variant with an unclear effect on protein function in a gene for which loss of function is a known mechanism of disease, and both splice predictors and evolutionary conservation support a deleterious effect; although in the absence of functional evidence the actual effect of this sequence change is unknown; Located in a specific region of the I-band within TTN for which truncating variants are significantly associated with autosomal dominant cardiomyopathy and also with autosomal recessive skeletal myopathies (PMID: 27625338, 27869827, 32778822); This variant is associated with the following publications: (PMID: 32778822, 24105469, 27625338, 27869827)

3billion
Classification: Pathogenic for Autosomal recessive limb-girdle muscular dystrophy type 2J. Last evaluated: 2025-06-11. Review status: criteria provided, single submitter. Criteria: ACMG Guidelines, 2015. Collection method: clinical testing. Allele origin: germline. Affected: yes.
Comment: The variant is not observed in the gnomAD v4.1.0 dataset. Predicted Consequence/Location: Canonical splice site: predicted to alter splicing and result in a loss or disruption of normal protein function. Multiple pathogenic loss-of-function variants are reported downstream of the variant. In silico tools predict the variant to alter splicing and produce an abnormal transcript [SpliceAI: 0.99 (spliceogenicity >=0.2, non-spliceogenicity <0.1)]. The variant has been reported to be associated with TTN-related disorder (ClinVar ID: VCV000405059 /3billion dataset). Therefore, this variant is classified as Pathogenic according to the recommendation of ACMG/AMP guideline.

OMIM
Classification: Pathogenic for CONGENITAL MYOPATHY 5 WITH CARDIOMYOPATHY. Last evaluated: 2024-07-16. Review status: no assertion criteria provided. Collection method: literature only. Allele origin: germline. Not counted in ClinVar's aggregate classification.

Literature cited by the submitters: PubMed 24105469 (cited by 4 submitters); PubMed 25589632 (cited by Labcorp Genetics (formerly Invitae), Labcorp); PubMed 23975875 (cited by Labcorp Genetics (formerly Invitae), Labcorp); PubMed 27869827 (cited by Labcorp Genetics (formerly Invitae), Labcorp); PubMed 32964742 (cited by Labcorp Genetics (formerly Invitae), Labcorp).

NM_001267550.2(TTN):c.9163+1G>C

Gene: TTN (titin; minus strand). Cytogenetic location: 2q31.2.
Variant type: single nucleotide variant.
Coding change: c.9163+1G>C on transcript NM_001267550.2 (MANE Select); the canonical splice donor site of the intron after coding-DNA position 9163, G replaced by C.
Molecular consequence: splice donor variant.
Genome position (GRCh38, 1-based): chr2:178,768,672, C>G on the plus strand (G>C on the coding strand, the complement: TTN is on the minus strand). VCF-style: chr2-178768672-C-G. GRCh37 (hg19) VCF-style: chr2-179633399-C-G.
Other names: c.9025+1G>C (NM_003319.4, NM_133437.4, NM_133432.3); c.9163+1G>C (NM_133378.4, NM_001256850.1, NM_133379.5).
Identifiers: ClinVar variation 405059 (VCV000405059.18), dbSNP rs1060500549, ClinGen allele CA16610513.